The following is an entry in ClinVar:

ClinVar aggregate classification (germline): Pathogenic (1 of 4 stars; one submission).

Submission:

Labcorp Genetics (formerly Invitae), Labcorp
Classification: Pathogenic. Last evaluated: 2026-01-06. Review status: criteria provided, single submitter. Criteria: Invitae Variant Classification Sherloc (09022015). Collection method: clinical testing. Allele origin: germline.
Comment: This sequence change creates a premature translational stop signal (p.Cys1306Glyfs*48) in the KMT2B gene. It is expected to result in an absent or disrupted protein product. Loss-of-function variants in KMT2B are known to be pathogenic (PMID: 27839873, 27992417). This variant is not present in population databases (gnomAD no frequency). This variant has not been reported in the literature in individuals affected with KMT2B-related conditions. For these reasons, this variant has been classified as Pathogenic.

Literature cited by the submitters: PubMed 27839873; PubMed 27992417.

NM_014727.3(KMT2B):c.3916_3919del (p.Cys1306fs)

Gene: KMT2B (lysine methyltransferase 2B; plus strand). Cytogenetic location: 19q13.12.
Variant type: Deletion.
Coding change: c.3916_3919del on transcript NM_014727.3 (MANE Select); coding-DNA positions 3916 to 3919, 4 bases deleted (TGTG; older notation c.3916_3919delTGTG).
Protein change: p.Cys1306fs; shifts the reading frame from cysteine 1306.
Molecular consequence: frameshift variant.
Genome position (GRCh38, 1-based): chr19:35,726,266-35,726,269, TGTG deleted. VCF-style (leftmost placement, unchanged base first): chr19-35726265-CTGTG-C. GRCh37 (hg19) VCF-style: chr19-36217166-CTGTG-C.
Other names: short protein forms C1306fs.
Identifiers: ClinVar variation 4734522 (VCV004734522.1).
Genomic context (GRCh38, chr19:35,726,265, plus strand): 5'-GTTTTCCCCTAACATCGCCCTGCTCCCCCAGATCTGTTCAGCCTGTGTGCGCTGTAAGAG[CTGTG>C]GGGCAACTCCAGGCAAGAACTGGGACGTCGAGTGGTCTGGAGATTACAGCCTCTGCCCCA-3'